The following is an entry in ClinVar:

NM_005412.6(SHMT2):c.472C>T (p.His158Tyr)

Gene: SHMT2 (serine hydroxymethyltransferase 2; plus strand). Cytogenetic location: 12q13.3.
Variant type: single nucleotide variant.
Coding change: c.472C>T on transcript NM_005412.6 (MANE Select); coding-DNA position 472, C replaced by T.
Protein change: p.His158Tyr; replaces histidine 158 with tyrosine.
Molecular consequence: missense variant. On other transcripts: non-coding transcript variant (4).
Genome position (GRCh38, 1-based): chr12:57,231,873, C>T. VCF-style: chr12-57231873-C-T. GRCh37 (hg19) VCF-style: chr12-57625656-C-T.
Other names: c.472C>T, p.His158Tyr (NM_001166356.2); c.409C>T, p.His137Tyr (NM_001166357.1, NM_001166358.2, NM_001166359.1); short protein forms H137Y, H158Y.
Identifiers: ClinVar variation 4686136 (VCV004686136.1).
Genomic context (GRCh38, chr12:57,231,873, plus strand): 5'-GTCCAGCCCTACTCCGGGTCCCCAGCCAACCTGGCCGTCTACACAGCCCTTCTGCAACCT[C>T]ACGACCGGATCATGGGGCTGGACCTGCCCGATGGGGGCCAGTGAGTATGGATGGGCTGGC-3'
Protein context (NP_005403.2, residues 148-168): LAVYTALLQP[His158Tyr]DRIMGLDLPD

ClinVar aggregate classification (germline): Uncertain significance (1 of 4 stars; one submission).

gnomAD v4.1: 5 of 1,613,436 alleles (0.00031%); highest among the groups gnomAD compares: Non-Finnish European, 0.00042%; no homozygotes.

Submission:

GeneDx
Classification: Uncertain significance. Last evaluated: 2026-01-14. Review status: criteria provided, single submitter. Criteria: GeneDx Variant Classification Process June 2021. Collection method: clinical testing. Allele origin: germline. Affected: yes.
Comment: Not observed at significant frequency in large population cohorts (gnomAD); In silico analysis supports that this missense variant has a deleterious effect on protein structure/function; Has not been previously published as pathogenic or benign to our knowledge